The following continues an entry in ClinVar:

NM_015040.4(PIKFYVE):c.4989C>T (p.Cys1663=)

Gene: PIKFYVE. ClinVar aggregate classification (germline): Benign. Benign (3).

Submissions 31 to 42 of 42:

Dr. Peter K. Rogan Lab, Western University
No classification provided (evidence only). Condition: Nonpapillary renal cell carcinoma. Review status: no classification provided. Collection method: in vitro. Allele origin: not applicable. Functional consequence: retained intron. Not counted in ClinVar's aggregate classification.

Dr. Peter K. Rogan Lab, Western University
No classification provided (evidence only). Condition: Cholangiocarcinoma. Review status: no classification provided. Collection method: in vitro. Allele origin: not applicable. Functional consequence: retained intron. Not counted in ClinVar's aggregate classification.

Dr. Peter K. Rogan Lab, Western University
No classification provided (evidence only). Condition: Ovarian serous cystadenocarcinoma. Review status: no classification provided. Collection method: in vitro. Allele origin: not applicable. Functional consequence: retained intron. Not counted in ClinVar's aggregate classification.

Dr. Peter K. Rogan Lab, Western University
No classification provided (evidence only). Condition: Ovarian serous cystadenocarcinoma. Review status: no classification provided. Collection method: in vitro. Allele origin: not applicable. Functional consequence: retained intron. Not counted in ClinVar's aggregate classification.

Dr. Peter K. Rogan Lab, Western University
No classification provided (evidence only). Condition: Gastric cancer. Review status: no classification provided. Collection method: in vitro. Allele origin: not applicable. Functional consequence: retained intron. Not counted in ClinVar's aggregate classification.

Dr. Peter K. Rogan Lab, Western University
No classification provided (evidence only). Condition: Adrenocortical carcinoma, hereditary. Review status: no classification provided. Collection method: in vitro. Allele origin: not applicable. Functional consequence: skipped exon. Not counted in ClinVar's aggregate classification.

Dr. Peter K. Rogan Lab, Western University
No classification provided (evidence only). Condition: Uveal melanoma. Review status: no classification provided. Collection method: in vitro. Allele origin: not applicable. Functional consequence: skipped exon. Not counted in ClinVar's aggregate classification.

Dr. Peter K. Rogan Lab, Western University
No classification provided (evidence only). Condition: Malignant tumor of esophagus. Review status: no classification provided. Collection method: in vitro. Allele origin: not applicable. Functional consequence: skipped exon. Not counted in ClinVar's aggregate classification.

Dr. Peter K. Rogan Lab, Western University
No classification provided (evidence only). Condition: Malignant tumor of esophagus. Review status: no classification provided. Collection method: in vitro. Allele origin: not applicable. Functional consequence: skipped exon. Not counted in ClinVar's aggregate classification.

Dr. Peter K. Rogan Lab, Western University
No classification provided (evidence only). Condition: Malignant tumor of esophagus. Review status: no classification provided. Collection method: in vitro. Allele origin: not applicable. Functional consequence: skipped exon, retained intron. Not counted in ClinVar's aggregate classification.

Dr. Peter K. Rogan Lab, Western University
No classification provided (evidence only). Condition: Malignant tumor of esophagus. Review status: no classification provided. Collection method: in vitro. Allele origin: not applicable. Functional consequence: retained intron. Not counted in ClinVar's aggregate classification.

Dr. Peter K. Rogan Lab, Western University
No classification provided (evidence only). Condition: Malignant tumor of esophagus. Review status: no classification provided. Collection method: in vitro. Allele origin: not applicable. Functional consequence: skipped exon, retained intron. Not counted in ClinVar's aggregate classification.